The following is an entry in ClinVar:

NM_032578.4(MYPN):c.2169G>T (p.Pro723=)

Gene: MYPN (myopalladin; plus strand). Cytogenetic location: 10q21.3.
Variant type: single nucleotide variant.
Coding change: c.2169G>T on transcript NM_032578.4 (MANE Select); coding-DNA position 2169, G replaced by T.
Protein change: p.Pro723=; no amino-acid change (proline 723 retained).
Molecular consequence: synonymous variant. On other transcripts: non-coding transcript variant (2).
Genome position (GRCh38, 1-based): chr10:68,174,261, G>T. VCF-style: chr10-68174261-G-T. GRCh37 (hg19) VCF-style: chr10-69934018-G-T.
Other names: c.2169G>T, p.Pro723= (NM_001256267.2); c.1287G>T, p.Pro429= (NM_001256268.2).
Identifiers: ClinVar variation 386839 (VCV000386839.3), dbSNP rs149357638, ClinGen allele CA5522744.
Genomic context (GRCh38, chr10:68,174,261, plus strand): 5'-GACAACATCCAGTAAGCAGGTGAAGGCTCCTTCATCACAGACGTTCAGCTTGGCCCGGCC[G>T]AAGTATTTCTTCCCCTCCACGAACACCACCGCAGCAACTGTGGCCCCTTCCAGCTCTCCG-3'
Protein context (NP_115967.2, residues 713-733): PSSQTFSLAR[Pro723=]KYFFPSTNTT

ClinVar aggregate classification (germline): Likely benign. Review status: criteria provided, multiple submitters, no conflicts (2 of 4 stars). 2 submissions from 2 submitters: Likely benign (2). Last evaluated 2024-12-23.

Conditions:
Dilated cardiomyopathy 1KK (CMD1KK). Identifiers: Orphanet 154, Orphanet 75249, MedGen C3714995, MONDO:0014100, OMIM 615248.

Allele frequency attached by ClinVar (database versions not stated): TOPMed 0.00001.
gnomAD v4.1: 3 of 1,613,962 alleles (0.00019%); highest among the groups gnomAD compares: East Asian, 0.0022%; no homozygotes.

Submissions (2):

Labcorp Genetics (formerly Invitae), Labcorp
Classification: Likely benign for Dilated cardiomyopathy 1KK. Last evaluated: 2024-12-23. Review status: criteria provided, single submitter. Criteria: Invitae Variant Classification Sherloc (09022015). Collection method: clinical testing. Allele origin: germline.

GeneDx
Classification: Likely benign. Last evaluated: 2016-06-08. Review status: criteria provided, single submitter. Criteria: GeneDx Variant Classification (06012015). Collection method: clinical testing. Allele origin: germline. Affected: yes.
Comment: This variant is considered likely benign or benign based on one or more of the following criteria: it is a conservative change, it occurs at a poorly conserved position in the protein, it is predicted to be benign by multiple in silico algorithms, and/or has population frequency not consistent with disease.